The following is an entry in ClinVar:

ClinVar aggregate classification (germline): Conflicting classifications of pathogenicity. Review status: criteria provided, conflicting classifications (1 of 4 stars). 2 submissions from 2 submitters: Uncertain significance (1); Likely benign (1). Last evaluated 2026-05-15.

Conditions:
Hereditary cancer-predisposing syndrome. Also called: Hereditary Cancer Syndrome; Neoplastic Syndromes, Hereditary; Tumor predisposition; Hereditary neoplastic syndrome. Identifiers: Orphanet 140162, MedGen C0027672, MeSH D009386, MONDO:0015356.

gnomAD v4.1: 1 of 1,614,236 alleles (0.000062%); highest among the groups gnomAD compares: Non-Finnish European, 0.000085%; no homozygotes.

Submissions (2):

Ambry Genetics
Classification: Likely benign for Hereditary cancer-predisposing syndrome. Last evaluated: 2026-05-15. Review status: criteria provided, single submitter. Criteria: Ambry Variant Classification Scheme 2023. Collection method: clinical testing. Allele origin: germline.

Color Diagnostics, LLC DBA Color Health
Classification: Uncertain significance for Hereditary cancer-predisposing syndrome. Last evaluated: 2023-12-05. Review status: criteria provided, single submitter. Criteria: ACMG Guidelines, 2015. Collection method: clinical testing. Allele origin: germline.
Comment: This missense variant replaces threonine with lysine at codon 515 of the CDH1 protein. To our knowledge, functional studies have not been reported for this variant. This variant has not been reported in individuals affected with CDH1-related disorders in the literature. This variant has not been identified in the general population by the Genome Aggregation Database (gnomAD). The available evidence is insufficient to determine the role of this variant in disease conclusively. Therefore, this variant is classified as a Variant of Uncertain Significance.

NM_004360.5(CDH1):c.1544C>A (p.Thr515Lys)

Gene: CDH1 (cadherin 1; plus strand). Cytogenetic location: 16q22.1.
Variant type: single nucleotide variant.
Coding change: c.1544C>A on transcript NM_004360.5 (MANE Select); coding-DNA position 1544, C replaced by A.
Protein change: p.Thr515Lys; replaces threonine 515 with lysine.
Molecular consequence: missense variant. On other transcripts: 5 prime UTR variant (2).
Genome position (GRCh38, 1-based): chr16:68,815,738, C>A. VCF-style: chr16-68815738-C-A. GRCh37 (hg19) VCF-style: chr16-68849641-C-A.
Other names: c.1361C>A, p.Thr454Lys (NM_001317184.2); c.-5C>A (NM_001317185.2); c.-276C>A (NM_001317186.2); c.1544C>A (NM_004360.3); short protein forms T515K, T454K.
Identifiers: ClinVar variation 921936 (VCV000921936.6), dbSNP rs1555516188, ClinGen allele CA396463556.